The following is an entry in ClinVar:

ClinVar aggregate classification (germline): Uncertain significance (1 of 4 stars; one submission).

Conditions:
CUL9-related disorder. Also called: CUL9-related condition.

Submission:

PreventionGenetics, part of Exact Sciences
Classification: Uncertain significance for CUL9-related condition. Last evaluated: 2025-09-26. Review status: criteria provided, single submitter. Criteria: ACMG Guidelines, 2015. Collection method: clinical testing. Allele origin: germline.
Comment: The CUL9 c.4921G>C variant is predicted to result in the amino acid substitution p.Glu1641Gln. To our knowledge, this variant has not been reported in the literature or in a large population database (gnomAD), indicating this variant is rare. At this time, the clinical significance of this variant is uncertain due to the absence of conclusive functional and genetic evidence.

NM_015089.4(CUL9):c.4921G>C (p.Glu1641Gln)

Gene: CUL9 (cullin 9; plus strand). Cytogenetic location: 6p21.1.
Variant type: single nucleotide variant.
Coding change: c.4921G>C on transcript NM_015089.4 (MANE Select); coding-DNA position 4921, G replaced by C.
Protein change: p.Glu1641Gln; replaces glutamic acid 1641 with glutamine.
Molecular consequence: missense variant.
Genome position (GRCh38, 1-based): chr6:43,206,134, G>C. VCF-style: chr6-43206134-G-C. GRCh37 (hg19) VCF-style: chr6-43173872-G-C.
Other names: short protein forms E1641Q.
Identifiers: ClinVar variation 4993129 (VCV004993129.1).